The following is an entry in ClinVar:

NM_152564.5(VPS13B):c.9182del (p.Lys3061fs)

Gene: VPS13B (vacuolar protein sorting 13 homolog B; plus strand). Cytogenetic location: 8q22.2.
Variant type: Deletion.
Coding change: c.9182del on transcript NM_152564.5 (MANE Select); coding-DNA position 9182, one base deleted (A; older notation c.9182delA).
Protein change: p.Lys3061fs; shifts the reading frame from lysine 3061.
Molecular consequence: frameshift variant.
Genome position (GRCh38, 1-based): chr8:99,821,481, A deleted; the last of 2 consecutive A bases (chr8:99,821,480-99,821,481); deleting either gives the same sequence. VCF-style (leftmost placement, unchanged base first): chr8-99821479-GA-G. GRCh37 (hg19) VCF-style: chr8-100833707-GA-G.
Other names: c.9257delA (NM_017890.4); c.9257del, p.Lys3086fs (NM_017890.5); short protein forms K3086fs, K3061fs.
Identifiers: ClinVar variation 370815 (VCV000370815.7), dbSNP rs1057516789, ClinGen allele CA16041259.

ClinVar aggregate classification (germline): Pathogenic. Review status: criteria provided, single submitter (1 of 4 stars). 2 submissions from 2 submitters: Pathogenic (1). 1 of the submissions does not count toward it. Last evaluated 2023-10-22.

Conditions:
Cohen syndrome (COH1). Also called: Cutis verticis gyrata, retinitis pigmentosa, and sensorineural deafness; PEPPER SYNDROME. Identifiers: Orphanet 193, MedGen C0265223, MONDO:0008999, OMIM 216550.

Submissions (2):

Labcorp Genetics (formerly Invitae), Labcorp
Classification: Pathogenic for Cohen syndrome. Last evaluated: 2023-10-22. Review status: criteria provided, single submitter. Criteria: Invitae Variant Classification Sherloc (09022015). Collection method: clinical testing. Allele origin: germline.
Comment: This sequence change creates a premature translational stop signal (p.Lys3086Serfs*26) in the VPS13B gene. It is expected to result in an absent or disrupted protein product. Loss-of-function variants in VPS13B are known to be pathogenic (PMID: 15141358, 16648375, 20461111). This variant is not present in population databases (gnomAD no frequency). This variant has not been reported in the literature in individuals affected with VPS13B-related conditions. ClinVar contains an entry for this variant (Variation ID: 370815). For these reasons, this variant has been classified as Pathogenic.

Counsyl
Classification: Likely pathogenic for Cohen syndrome. Last evaluated: 2016-04-19. Review status: no assertion criteria provided. Collection method: clinical testing. Allele origin: unknown. Not counted in ClinVar's aggregate classification.

Literature cited by the submitters: PubMed 15141358 (cited by Labcorp Genetics (formerly Invitae), Labcorp); PubMed 16648375 (cited by Labcorp Genetics (formerly Invitae), Labcorp); PubMed 20461111 (cited by Labcorp Genetics (formerly Invitae), Labcorp).